The following is an entry in ClinVar:

NM_000112.4(SLC26A2):c.1135A>C (p.Ile379Leu)

Gene: SLC26A2 (solute carrier family 26 member 2; plus strand). Cytogenetic location: 5q32.
Variant type: single nucleotide variant.
Coding change: c.1135A>C on transcript NM_000112.4 (MANE Select); coding-DNA position 1135, A replaced by C.
Protein change: p.Ile379Leu; replaces isoleucine 379 with leucine.
Molecular consequence: missense variant.
Genome position (GRCh38, 1-based): chr5:149,980,728, A>C. VCF-style: chr5-149980728-A-C. GRCh37 (hg19) VCF-style: chr5-149360291-A-C.
Other names: short protein forms I379L.
Identifiers: ClinVar variation 1918221 (VCV001918221.2), dbSNP rs763790308, ClinGen allele CA3505391.

ClinVar aggregate classification (germline): Uncertain significance (1 of 4 stars; one submission).

Conditions:
Multiple epiphyseal dysplasia type 4 (EDM4). Also called: SLC26A2-Related Multiple Epiphyseal Dysplasia; Multiple Epiphyseal Dysplasia, Recessive; MULTIPLE EPIPHYSEAL DYSPLASIA WITH BILAYERED PATELLAE; MULTIPLE EPIPHYSEAL DYSPLASIA WITH CLUBFOOT; MULTIPLE EPIPHYSEAL DYSPLASIA, AUTOSOMAL RECESSIVE. Identifiers: Orphanet 93307, MedGen C1847593, MONDO:0009189, OMIM 226900.
Atelosteogenesis type II (AO2). Also called: SLC26A2-Related Atelosteogenesis; NEONATAL OSSEOUS DYSPLASIA I; Neonatal osseous dysplasia 1. Identifiers: Orphanet 56304, MedGen C1850554, MONDO:0009727, OMIM 256050.
Achondrogenesis, type IB (ACG1B). Also called: Achondrogenesis Type 1B. Identifiers: Orphanet 932, Orphanet 93298, MedGen C0265274, MONDO:0010966, OMIM 600972.
Diastrophic dysplasia (DTD). Also called: Diastrophic dwarfism. Identifiers: Orphanet 628, MedGen C0220726, MONDO:0009107, OMIM 222600.

Allele frequency attached by ClinVar (database versions not stated): gnomAD 0.00001; ExAC 0.00002; gnomAD exomes 0.00002; TOPMed 0.00002.
gnomAD v4.1: 25 of 1,613,774 alleles (0.0015%); highest among the groups gnomAD compares: Non-Finnish European, 0.0019%; no homozygotes.

Submission:

Labcorp Genetics (formerly Invitae), Labcorp
Classification: Uncertain significance for Atelosteogenesis type II; Multiple epiphyseal dysplasia type 4; Achondrogenesis, type IB; Diastrophic dysplasia. Last evaluated: 2022-05-21. Review status: criteria provided, single submitter. Criteria: Invitae Variant Classification Sherloc (09022015). Collection method: clinical testing. Allele origin: germline.
Comment: This sequence change replaces isoleucine, which is neutral and non-polar, with leucine, which is neutral and non-polar, at codon 379 of the SLC26A2 protein (p.Ile379Leu). This variant is present in population databases (rs763790308, gnomAD 0.004%). This variant has not been reported in the literature in individuals affected with SLC26A2-related conditions. Advanced modeling of protein sequence and biophysical properties (such as structural, functional, and spatial information, amino acid conservation, physicochemical variation, residue mobility, and thermodynamic stability) performed at Invitae indicates that this missense variant is not expected to disrupt SLC26A2 protein function. In summary, the available evidence is currently insufficient to determine the role of this variant in disease. Therefore, it has been classified as a Variant of Uncertain Significance.